The following is an entry in ClinVar:

ClinVar aggregate classification (germline): Uncertain significance. Review status: criteria provided, multiple submitters, no conflicts (2 of 4 stars). 3 submissions from 3 submitters: Uncertain significance (3). Last evaluated 2022-04-12.

Conditions:
Inborn genetic diseases. Identifiers: MedGen C0950123, MeSH D030342.
Autosomal recessive hypophosphatemic bone disease (HHRH). Also called: HYPERCALCIURIC RICKETS; Hypophosphatemic rickets with hypercalciuria. Identifiers: Orphanet 157215, MedGen C1853271, MONDO:0009431, OMIM 241530.

Submissions (3):

Fulgent Genetics
Classification: Uncertain significance for Autosomal recessive hypophosphatemic bone disease. Last evaluated: 2022-04-12. Review status: criteria provided, single submitter. Criteria: ACMG Guidelines, 2015. Collection method: clinical testing. Allele origin: unknown.

Ambry Genetics
Classification: Uncertain significance for Inborn genetic diseases. Last evaluated: 2021-10-12. Review status: criteria provided, single submitter. Criteria: Ambry Variant Classification Scheme 2023. Collection method: clinical testing. Allele origin: germline.

Labcorp Genetics (formerly Invitae), Labcorp
Classification: Uncertain significance. Last evaluated: 2021-08-31. Review status: criteria provided, single submitter. Criteria: Invitae Variant Classification Sherloc (09022015). Collection method: clinical testing. Allele origin: germline.
Comment: This sequence change replaces valine with methionine at codon 400 of the SLC34A3 protein (p.Val400Met). The valine residue is highly conserved and there is a small physicochemical difference between valine and methionine. This variant is not present in population databases (ExAC no frequency). This variant has not been reported in the literature in individuals affected with SLC34A3-related conditions. Algorithms developed to predict the effect of missense changes on protein structure and function are either unavailable or do not agree on the potential impact of this missense change (SIFT: "Deleterious"; PolyPhen-2: "Probably Damaging"; Align-GVGD: "Class C0"). In summary, the available evidence is currently insufficient to determine the role of this variant in disease. Therefore, it has been classified as a Variant of Uncertain Significance.

NM_001177316.2(SLC34A3):c.1198G>A (p.Val400Met)

Gene: SLC34A3 (solute carrier family 34 member 3; plus strand). Cytogenetic location: 9q34.3.
Variant type: single nucleotide variant.
Coding change: c.1198G>A on transcript NM_001177316.2 (MANE Select); coding-DNA position 1198, G replaced by A.
Protein change: p.Val400Met; replaces valine 400 with methionine.
Molecular consequence: missense variant.
Genome position (GRCh38, 1-based): chr9:137,234,520, G>A. VCF-style: chr9-137234520-G-A. GRCh37 (hg19) VCF-style: chr9-140128972-G-A.
Other names: c.1198G>A, p.Val400Met (NM_001177317.2, NM_080877.3); short protein forms V400M.
Identifiers: ClinVar variation 1352529 (VCV001352529.7), dbSNP rs748862410, ClinGen allele CA375737607.